The following is an entry in ClinVar:

NM_032638.5(GATA2):c.1378C>T (p.His460Tyr)

Gene: GATA2 (GATA binding protein 2; minus strand). Cytogenetic location: 3q21.3.
Variant type: single nucleotide variant.
Coding change: c.1378C>T on transcript NM_032638.5 (MANE Select); coding-DNA position 1378, C replaced by T.
Protein change: p.His460Tyr; replaces histidine 460 with tyrosine.
Molecular consequence: missense variant.
Genome position (GRCh38, 1-based): chr3:128,481,084, G>A on the plus strand (C>T on the coding strand, the complement: GATA2 is on the minus strand). VCF-style: chr3-128481084-G-A. GRCh37 (hg19) VCF-style: chr3-128199927-G-A.
Other names: c.1378C>T, p.His460Tyr (NM_001145661.2); c.1336C>T, p.His446Tyr (NM_001145662.1); short protein forms H446Y, H460Y.
Identifiers: ClinVar variation 4857875 (VCV004857875.1).

ClinVar aggregate classification (germline): Uncertain significance (1 of 4 stars; one submission).

Conditions:
Inborn genetic diseases. Identifiers: MedGen C0950123, MeSH D030342.

Submission:

Ambry Genetics
Classification: Uncertain significance for Inborn genetic diseases. Last evaluated: 2026-05-22. Review status: criteria provided, single submitter. Criteria: Ambry Variant Classification Scheme 2023. Collection method: clinical testing. Allele origin: germline.
Comment: The p.H460Y variant (also known as c.1378C>T), located in coding exon 5 of the GATA2 gene, results from a C to T substitution at nucleotide position 1378. The histidine at codon 460 is replaced by tyrosine, an amino acid with similar properties. This amino acid position is conserved. In addition, this alteration is predicted to be deleterious by in silico analysis. Based on the available evidence, the clinical significance of this variant remains unclear.